The following is an entry in ClinVar:

NM_001190274.2(FBXO11):c.1181A>G (p.Gln394Arg)

Gene: FBXO11 (F-box protein 11; minus strand). Cytogenetic location: 2p16.3.
Variant type: single nucleotide variant.
Coding change: c.1181A>G on transcript NM_001190274.2 (MANE Select); coding-DNA position 1181, A replaced by G.
Protein change: p.Gln394Arg; replaces glutamine 394 with arginine.
Molecular consequence: missense variant.
Genome position (GRCh38, 1-based): chr2:47,832,651, T>C on the plus strand (A>G on the coding strand, the complement: FBXO11 is on the minus strand). VCF-style: chr2-47832651-T-C. GRCh37 (hg19) VCF-style: chr2-48059790-T-C.
Other names: c.929A>G, p.Gln310Arg (NM_001374325.1, NM_025133.4); short protein forms Q394R, Q310R.
Identifiers: ClinVar variation 3728978 (VCV003728978.2).
Genomic context (GRCh38, chr2:47,832,651, plus strand): 5'-TATAGTCCAACATTTTCACAGTCACTGATGTTACAGTGCTTGATGGTGGGACATGCTCCT[T>C]GACCACTAACACATACTGCAGAACCAACTGTAGAAAAATTATTTATTTATGTAAAAACCT-3'
Protein context (NP_001177203.1, residues 384-404): TVGSAVCVSG[Gln394Arg]GACPTIKHCN

ClinVar aggregate classification (germline): Uncertain significance (1 of 4 stars; one submission).

Submission:

Labcorp Genetics (formerly Invitae), Labcorp
Classification: Uncertain significance. Last evaluated: 2025-02-24. Review status: criteria provided, single submitter. Criteria: Invitae Variant Classification Sherloc (09022015). Collection method: clinical testing. Allele origin: germline.
Comment: This sequence change replaces glutamine, which is neutral and polar, with arginine, which is basic and polar, at codon 394 of the FBXO11 protein (p.Gln394Arg). This variant is not present in population databases (gnomAD no frequency). This variant has not been reported in the literature in individuals affected with FBXO11-related conditions. An algorithm developed to predict the effect of missense changes on protein structure and function (PolyPhen-2) suggests that this variant is likely to be tolerated. In summary, the available evidence is currently insufficient to determine the role of this variant in disease. Therefore, it has been classified as a Variant of Uncertain Significance.